The following is an entry in ClinVar:

ClinVar aggregate classification (germline): Uncertain significance (1 of 4 stars; one submission).

Submission:

Ambry Genetics
Classification: Uncertain significance. Last evaluated: 2024-11-20. Review status: criteria provided, single submitter. Criteria: Ambry Variant Classification Scheme 2023. Collection method: clinical testing. Allele origin: germline.
Comment: The p.K566Q variant (also known as c.1696A>C), located in coding exon 8 of the ATRIP gene, results from an A to C substitution at nucleotide position 1696. The lysine at codon 566 is replaced by glutamine, an amino acid with similar properties. This amino acid position is conserved. In addition, the in silico prediction for this alteration is inconclusive. Based on the available evidence, the clinical significance of this variant remains unclear.

NM_130384.3(ATRIP):c.1696A>C (p.Lys566Gln)

Genes: ATRIP (ATR interacting protein; plus strand), ATRIP-TREX1 (ATRIP-TREX1 readthrough; plus strand). Cytogenetic location: 3p21.31.
Variant type: single nucleotide variant.
Coding change: c.1696A>C on transcript NM_130384.3 (MANE Select); coding-DNA position 1696, A replaced by C.
Protein change: p.Lys566Gln; replaces lysine 566 with glutamine.
Molecular consequence: missense variant. On other transcripts: non-coding transcript variant (1).
Genome position (GRCh38, 1-based): chr3:48,460,750, A>C. VCF-style: chr3-48460750-A-C. GRCh37 (hg19) VCF-style: chr3-48502149-A-C.
Other names: c.1315A>C, p.Lys439Gln (NM_001271022.2); c.1417A>C, p.Lys473Gln (NM_001271023.2); c.1696A>C, p.Lys566Gln (NM_032166.4); short protein forms K439Q, K473Q, K566Q.
Identifiers: ClinVar variation 3464068 (VCV003464068.1).